The following is an entry in ClinVar:

ClinVar aggregate classification (germline): Likely benign (1 of 4 stars; one submission).

Allele frequency attached by ClinVar (database versions not stated): 1000 Genomes Project 30x 0.01140; 1000 Genomes Project 0.01198; TOPMed 0.01674; gnomAD exomes 0.01971.
gnomAD v4.1: 16,555 of 859,102 alleles (1.9%); highest among the groups gnomAD compares: Middle Eastern, 8.7%; 250 homozygotes.

Submission:

GeneDx
Classification: Likely benign. Last evaluated: 2018-06-14. Review status: criteria provided, single submitter. Criteria: GeneDx Variant Classification (06012015). Collection method: clinical testing. Allele origin: germline. Affected: yes.
Comment: This variant is considered likely benign or benign based on one or more of the following criteria: it is a conservative change, it occurs at a poorly conserved position in the protein, it is predicted to be benign by multiple in silico algorithms, and/or has population frequency not consistent with disease.

NM_007347.5(AP4E1):c.2904+104C>T

Gene: AP4E1 (adaptor related protein complex 4 subunit epsilon 1; plus strand). Cytogenetic location: 15q21.2.
Variant type: single nucleotide variant.
Coding change: c.2904+104C>T on transcript NM_007347.5 (MANE Select); 104 bases into the intron after coding-DNA position 2904, C replaced by T.
Molecular consequence: intron variant.
Genome position (GRCh38, 1-based): chr15:50,997,987, C>T. VCF-style: chr15-50997987-C-T. GRCh37 (hg19) VCF-style: chr15-51290184-C-T.
Other names: c.2679+104C>T (NM_001252127.2).
Identifiers: ClinVar variation 670894 (VCV000670894.1), dbSNP rs75730813, ClinGen allele CA270526350.